The following is an entry in ClinVar:

NM_015443.4(KANSL1):c.2136G>A (p.Pro712=)

Gene: KANSL1 (KAT8 regulatory NSL complex subunit 1). Cytogenetic location: 17q21.31.
Variant type: single nucleotide variant.
Coding change: c.2136G>A on transcript NM_015443.4 (MANE Select); coding-DNA position 2136, G replaced by A.
Protein change: p.Pro712=; no amino-acid change (proline 712 retained).
Molecular consequence: synonymous variant.
Genome position (GRCh38, 1-based): chr17:46,039,769, C>T on the plus strand (G>A on the coding strand, the complement: KANSL1 is on the minus strand). VCF-style: chr17-46039769-C-T. GRCh37 (hg19) VCF-style: chr17-44117135-C-T.
Other names: p.P712P:CCG>CCA; p.Pro712=; c.2136G>A, p.Pro712= (NM_001193465.2, NM_001193466.2, NM_001379198.1).
Identifiers: ClinVar variation 137967 (VCV000137967.12), dbSNP rs2277613, ClinGen allele CA291701.

ClinVar aggregate classification (germline): Benign. Review status: criteria provided, multiple submitters, no conflicts (2 of 4 stars). 4 submissions from 4 submitters: Benign (4). Last evaluated 2026-02-03.

Conditions:
Koolen-de Vries syndrome (KDVS). Identifiers: Orphanet 96169, MedGen C1864871, MONDO:0012496, OMIM 610443.

Allele frequency attached by ClinVar (database versions not stated): ESP Exome Variant Server 0.00853; gnomAD exomes 0.03604 and 0.09888; gnomAD 0.04041 and 0.04786; TOPMed 0.05978; ExAC 0.08762; 1000 Genomes Project 30x 0.12804; 1000 Genomes Project 0.12979.
gnomAD v4.1: 60,531 of 1,614,126 alleles (3.8%); highest among the groups gnomAD compares: East Asian, 46%; 8,477 homozygotes.

Submissions (4):

Labcorp Genetics (formerly Invitae), Labcorp
Classification: Benign for Koolen-de Vries syndrome. Last evaluated: 2026-02-03. Review status: criteria provided, single submitter. Criteria: Invitae Variant Classification Sherloc (09022015). Collection method: clinical testing. Allele origin: germline.

Mayo Clinic Laboratories, Mayo Clinic
Classification: Benign. Last evaluated: 2018-08-07. Review status: criteria provided, single submitter. Criteria: ACMG Guidelines, 2015. Collection method: clinical testing. Allele origin: germline. Observed: 66 variant alleles.

GeneDx
Classification: Benign. Last evaluated: 2013-12-09. Review status: criteria provided, single submitter. Criteria: GeneDx Variant Classification (06012015). Collection method: clinical testing. Allele origin: germline. Affected: yes.
Comment: This variant is considered likely benign or benign based on one or more of the following criteria: it is a conservative change, it occurs at a poorly conserved position in the protein, it is predicted to be benign by multiple in silico algorithms, and/or has population frequency not consistent with disease.

Breakthrough Genomics
Classification: Benign. Review status: criteria provided, single submitter. Criteria: ACMG Guidelines, 2015. Collection method: not provided. Allele origin: germline. Inheritance: Autosomal dominant inheritance. Affected: yes.